The following is an entry in ClinVar:

NM_001177693.2(ARHGEF28):c.965G>A (p.Arg322His)

Gene: ARHGEF28 (Rho guanine nucleotide exchange factor 28; plus strand). Cytogenetic location: 5q13.2.
Variant type: single nucleotide variant.
Coding change: c.965G>A on transcript NM_001177693.2 (MANE Select); coding-DNA position 965, G replaced by A.
Protein change: p.Arg322His; replaces arginine 322 with histidine.
Molecular consequence: missense variant.
Genome position (GRCh38, 1-based): chr5:73,795,332, G>A. VCF-style: chr5-73795332-G-A. GRCh37 (hg19) VCF-style: chr5-73091157-G-A.
Other names: c.965G>A, p.Arg322His (NM_001080479.3, NM_001388078.1); c.671G>A, p.Arg224His (NM_001388076.1); short protein forms R322H, R224H.
Identifiers: ClinVar variation 2212943 (VCV002212943.4), dbSNP rs557233944, ClinGen allele CA3304395.
Genomic context (GRCh38, chr5:73,795,332, plus strand): 5'-AACATTAGTGTAGCATATATGTAATTTTTTAAAAATCCACCTGACTTTATCTCTTCCAGC[G>A]TGTCAAAAGCCTGGTGGTTCAACACAATGAACATGAAGACCAGCACAGCCTAGATTTGGG-3'
Protein context (NP_001171164.1, residues 312-332): RSAAEKEDIK[Arg322His]VKSLVVQHNE

ClinVar aggregate classification (germline): Uncertain significance. Review status: criteria provided, single submitter (1 of 4 stars). 2 submissions from 2 submitters: Uncertain significance (1). 1 of the submissions does not count toward it. Last evaluated 2021-07-06.

Conditions:
ARHGEF28-related disorder. Also called: ARHGEF28-related condition.

Allele frequency attached by ClinVar (database versions not stated): ExAC 0.00010; TOPMed 0.00012; gnomAD 0.00013.
gnomAD v4.1: 204 of 1,613,422 alleles (0.013%); highest among the groups gnomAD compares: African/African-American, 0.023%; no homozygotes.

Submissions (2):

Ambry Genetics
Classification: Uncertain significance. Last evaluated: 2021-07-06. Review status: criteria provided, single submitter. Criteria: Ambry Variant Classification Scheme 2023. Collection method: clinical testing. Allele origin: germline.

PreventionGenetics, part of Exact Sciences
Classification: Uncertain significance for ARHGEF28-related condition. Last evaluated: 2024-01-30. Review status: no assertion criteria provided. Collection method: clinical testing. Allele origin: germline. Not counted in ClinVar's aggregate classification.
Comment: The ARHGEF28 c.965G>A variant is predicted to result in the amino acid substitution p.Arg322His. To our knowledge, this variant has not been reported in the literature. This variant is reported in 0.016% of alleles in individuals of South Asian descent in gnomAD. At this time, the clinical significance of this variant is uncertain due to the absence of conclusive functional and genetic evidence.